The following is an entry in ClinVar:

NM_006208.3(ENPP1):c.1465C>T (p.Pro489Ser)

Gene: ENPP1 (ectonucleotide pyrophosphatase/phosphodiesterase 1; plus strand). Cytogenetic location: 6q23.2.
Variant type: single nucleotide variant.
Coding change: c.1465C>T on transcript NM_006208.3 (MANE Select); coding-DNA position 1465, C replaced by T.
Protein change: p.Pro489Ser; replaces proline 489 with serine.
Molecular consequence: missense variant.
Genome position (GRCh38, 1-based): chr6:131,872,950, C>T. VCF-style: chr6-131872950-C-T. GRCh37 (hg19) VCF-style: chr6-132194090-C-T.
Other names: short protein forms P489S.
Identifiers: ClinVar variation 1983952 (VCV001983952.4), dbSNP rs769417473, ClinGen allele CA147944561.

ClinVar aggregate classification (germline): Uncertain significance (1 of 4 stars; one submission).

Allele frequency attached by ClinVar (database versions not stated): gnomAD exomes below 0.00001; gnomAD 0.00001.
gnomAD v4.1: 3 of 1,613,648 alleles (0.00019%); highest among the groups gnomAD compares: African/African-American, 0.0013%; no homozygotes.

Submission:

Labcorp Genetics (formerly Invitae), Labcorp
Classification: Uncertain significance. Last evaluated: 2025-11-03. Review status: criteria provided, single submitter. Criteria: Invitae Variant Classification Sherloc (09022015). Collection method: clinical testing. Allele origin: germline.
Comment: This sequence change replaces proline, which is neutral and non-polar, with serine, which is neutral and polar, at codon 489 of the ENPP1 protein (p.Pro489Ser). This variant is not present in population databases (gnomAD no frequency). This variant has not been reported in the literature in individuals affected with ENPP1-related conditions. ClinVar contains an entry for this variant (Variation ID: 1983952). Invitae Evidence Modeling of protein sequence and biophysical properties (such as structural, functional, and spatial information, amino acid conservation, physicochemical variation, residue mobility, and thermodynamic stability) indicates that this missense variant is not expected to disrupt ENPP1 protein function with a negative predictive value of 80%. In summary, the available evidence is currently insufficient to determine the role of this variant in disease. Therefore, it has been classified as a Variant of Uncertain Significance.